The following is an entry in ClinVar:

NM_002332.3(LRP1):c.7606G>A (p.Glu2536Lys)

Gene: LRP1 (LDL receptor related protein 1; plus strand). Cytogenetic location: 12q13.3.
Variant type: single nucleotide variant.
Coding change: c.7606G>A on transcript NM_002332.3 (MANE Select); coding-DNA position 7606, G replaced by A.
Protein change: p.Glu2536Lys; replaces glutamic acid 2536 with lysine.
Molecular consequence: missense variant.
Genome position (GRCh38, 1-based): chr12:57,193,226, G>A. VCF-style: chr12-57193226-G-A. GRCh37 (hg19) VCF-style: chr12-57587009-G-A.
Other names: short protein forms E2536K.
Identifiers: ClinVar variation 3347638 (VCV003347638.1).

ClinVar aggregate classification (germline): Uncertain significance (0 of 4 stars; one submission).

Conditions:
LRP1-related disorder. Also called: LRP1-related condition.

gnomAD v4.1: 5 of 1,613,992 alleles (0.00031%); highest among the groups gnomAD compares: South Asian, 0.0022%; no homozygotes.

Submission:

PreventionGenetics, part of Exact Sciences
Classification: Uncertain significance for LRP1-related condition. Last evaluated: 2024-09-10. Review status: no assertion criteria provided. Collection method: clinical testing. Allele origin: germline.
Comment: The LRP1 c.7606G>A variant is predicted to result in the amino acid substitution p.Glu2536Lys. To our knowledge, this variant has not been reported in the literature or in a large population database, indicating this variant is rare. At this time, the clinical significance of this variant is uncertain due to the absence of conclusive functional and genetic evidence.